The following is an entry in ClinVar:

ClinVar aggregate classification (germline): Uncertain significance. Review status: criteria provided, multiple submitters, no conflicts (2 of 4 stars). 3 submissions from 3 submitters: Uncertain significance (3). Last evaluated 2025-08-21.

Allele frequency attached by ClinVar (database versions not stated): gnomAD 0.00002; TOPMed 0.00003.
gnomAD v4.1: 22 of 1,552,622 alleles (0.0014%); highest among the groups gnomAD compares: African/African-American, 0.016%; no homozygotes.

Submissions (3):

Labcorp Genetics (formerly Invitae), Labcorp
Classification: Uncertain significance. Last evaluated: 2025-08-21. Review status: criteria provided, single submitter. Criteria: Invitae Variant Classification Sherloc (09022015). Collection method: clinical testing. Allele origin: germline.
Comment: This sequence change replaces glutamine, which is neutral and polar, with proline, which is neutral and non-polar, at codon 598 of the COL9A3 protein (p.Gln598Pro). This variant is present in population databases (rs201009783, gnomAD 0.01%). This variant has not been reported in the literature in individuals affected with COL9A3-related conditions. ClinVar contains an entry for this variant (Variation ID: 1311564). Invitae Evidence Modeling of protein sequence and biophysical properties (such as structural, functional, and spatial information, amino acid conservation, physicochemical variation, residue mobility, and thermodynamic stability) indicates that this missense variant is not expected to disrupt COL9A3 protein function with a negative predictive value of 95%. In summary, the available evidence is currently insufficient to determine the role of this variant in disease. Therefore, it has been classified as a Variant of Uncertain Significance.

Women's Health and Genetics/Laboratory Corporation of America, LabCorp
Classification: Uncertain significance. Last evaluated: 2024-04-29. Review status: criteria provided, single submitter. Criteria: LabCorp Variant Classification Summary - May 2015. Collection method: clinical testing. Allele origin: germline.
Comment: Variant summary: COL9A3 c.1793A>C (p.Gln598Pro) results in a non-conservative amino acid change located in the third collagen triple helix repeat (IPR008160) of the encoded protein sequence. Three of four in-silico tools predict a benign effect of the variant on protein function. The variant allele was found at a frequency of 1.4e-05 in 1545722 control chromosomes, predominantly at a frequency of 0.00016 within the African or African-American subpopulation in the gnomAD database (v4.1 dataset). To our knowledge, no occurrence of c.1793A>C in individuals affected with Epiphyseal Dysplasia, Multiple, 3 and no experimental evidence demonstrating its impact on protein function have been reported. ClinVar contains an entry for this variant (Variation ID: 1311564). Based on the evidence outlined above, the variant was classified as uncertain significance.

GeneDx
Classification: Uncertain significance. Last evaluated: 2019-09-04. Review status: criteria provided, single submitter. Criteria: GeneDx Variant Classification Process June 2021. Collection method: clinical testing. Allele origin: germline. Affected: yes.
Comment: Has not been previously published as pathogenic or benign to our knowledge; Not observed at a significant frequency in large population cohorts (Lek et al., 2016); In silico analysis, which includes protein predictors and evolutionary conservation, supports that this variant does not alter protein structure/function

NM_001853.4(COL9A3):c.1793A>C (p.Gln598Pro)

Gene: COL9A3 (collagen type IX alpha 3 chain; plus strand). Cytogenetic location: 20q13.33.
Variant type: single nucleotide variant.
Coding change: c.1793A>C on transcript NM_001853.4 (MANE Select); coding-DNA position 1793, A replaced by C.
Protein change: p.Gln598Pro; replaces glutamine 598 with proline.
Molecular consequence: missense variant.
Genome position (GRCh38, 1-based): chr20:62,838,690, A>C. VCF-style: chr20-62838690-A-C. GRCh37 (hg19) VCF-style: chr20-61470042-A-C.
Other names: short protein forms Q598P.
Identifiers: ClinVar variation 1311564 (VCV001311564.8), dbSNP rs201009783, ClinGen allele CA317345789.